The following is an entry in ClinVar:

ClinVar aggregate classification (germline): Benign (0 of 4 stars; one submission).

Conditions:
SERPINA6-related disorder. Also called: SERPINA6-related condition.

Allele frequency attached by ClinVar (database versions not stated): gnomAD exomes 0.00092; ExAC 0.00264; gnomAD 0.00777; TOPMed 0.00875; ESP Exome Variant Server 0.00915; 1000 Genomes Project 30x 0.01046; 1000 Genomes Project 0.01078.

Submissions (4):

PreventionGenetics, part of Exact Sciences
Classification: Benign for SERPINA6-related condition. Last evaluated: 2019-09-30. Review status: no assertion criteria provided. Collection method: clinical testing. Allele origin: germline.
Comment: This variant is classified as benign based on ACMG/AMP sequence variant interpretation guidelines (Richards et al. 2015 PMID: 25741868, with internal and published modifications).

Dr. Peter K. Rogan Lab, Western University
No classification provided (evidence only). Condition: Clear cell carcinoma of kidney. Review status: no classification provided. Collection method: in vitro. Allele origin: not applicable. Functional consequence: retained intron. Not counted in ClinVar's aggregate classification.

Dr. Peter K. Rogan Lab, Western University
No classification provided (evidence only). Condition: Uterine corpus endometrial carcinoma. Review status: no classification provided. Collection method: in vitro. Allele origin: not applicable. Functional consequence: retained intron. Not counted in ClinVar's aggregate classification.

Dr. Peter K. Rogan Lab, Western University
No classification provided (evidence only). Condition: Uterine corpus endometrial carcinoma. Review status: no classification provided. Collection method: in vitro. Allele origin: not applicable. Functional consequence: retained intron. Not counted in ClinVar's aggregate classification.

NM_001756.4(SERPINA6):c.804G>A (p.Pro268=)

Gene: SERPINA6 (serpin family A member 6; minus strand). Cytogenetic location: 14q32.13.
Variant type: single nucleotide variant.
Coding change: c.804G>A on transcript NM_001756.4 (MANE Select); coding-DNA position 804, G replaced by A.
Protein change: p.Pro268=; no amino-acid change (proline 268 retained).
Molecular consequence: synonymous variant.
Genome position (GRCh38, 1-based): chr14:94,309,816, C>T on the plus strand (G>A on the coding strand, the complement: SERPINA6 is on the minus strand). VCF-style: chr14-94309816-C-T. GRCh37 (hg19) VCF-style: chr14-94776153-C-T.
Other names: NC_000014.8:g.94776153C>T.
Identifiers: ClinVar variation 3042040 (VCV003042040.3), dbSNP rs61754488, ClinGen allele CA7327031.